The following is an entry in ClinVar:

ClinVar aggregate classification (germline): Likely benign (1 of 4 stars; one submission).

Submission:

GeneDx
Classification: Likely benign. Last evaluated: 2017-09-01. Review status: criteria provided, single submitter. Criteria: GeneDx Variant Classification (06012015). Collection method: clinical testing. Allele origin: germline. Affected: yes.
Comment: This variant is considered likely benign or benign based on one or more of the following criteria: it is a conservative change, it occurs at a poorly conserved position in the protein, it is predicted to be benign by multiple in silico algorithms, and/or has population frequency not consistent with disease.

NM_000116.5(TAFAZZIN):c.108C>T (p.Thr36=)

Genes: DNASE1L1 (deoxyribonuclease 1 like 1; minus strand), TAFAZZIN (tafazzin, phospholipid-lysophospholipid transacylase; plus strand), LOC130068869 (ATAC-STARR-seq lymphoblastoid silent region 21101; plus strand). Cytogenetic location: Xq28.
Variant type: single nucleotide variant.
Coding change: c.108C>T on transcript NM_000116.5 (MANE Select); coding-DNA position 108, C replaced by T.
Protein change: p.Thr36=; no amino-acid change (threonine 36 retained).
Molecular consequence: synonymous variant. On other transcripts: 5 prime UTR variant (3), non-coding transcript variant (1).
Genome position (GRCh38, 1-based): chrX:154,411,951, C>T. VCF-style: chrX-154411951-C-T. GRCh37 (hg19) VCF-style: chrX-153640288-C-T.
Other names: c.-491G>A (NM_001009932.3); c.-233G>A (NM_001009933.3); c.-148G>A (NM_001009934.3); c.108C>T, p.Thr36= (NM_001303465.2, NM_001410698.1, NM_001440856.1 and 5 more transcripts).
Identifiers: ClinVar variation 511592 (VCV000511592.3), dbSNP rs1557190923, ClinGen allele CA519277287.